The following is an entry in ClinVar:

NM_000180.4(GUCY2D):c.1595G>C (p.Gly532Ala)

Gene: GUCY2D (guanylate cyclase 2D, retinal; plus strand). Cytogenetic location: 17p13.1.
Variant type: single nucleotide variant.
Coding change: c.1595G>C on transcript NM_000180.4 (MANE Select); coding-DNA position 1595, G replaced by C.
Protein change: p.Gly532Ala; replaces glycine 532 with alanine.
Molecular consequence: missense variant.
Genome position (GRCh38, 1-based): chr17:8,007,959, G>C. VCF-style: chr17-8007959-G-C. GRCh37 (hg19) VCF-style: chr17-7911277-G-C.
Other names: c.1595G>C (NM_000180.3); short protein forms G532A.
Identifiers: ClinVar variation 2925181 (VCV002925181.4), dbSNP rs553602736, ClinGen allele CA8365822.

ClinVar aggregate classification (germline): Conflicting classifications of pathogenicity. Review status: criteria provided, conflicting classifications (1 of 4 stars). 2 submissions from 2 submitters: Uncertain significance (1); Likely benign (1). Last evaluated 2025-07-02.

Conditions:
Inborn genetic diseases. Identifiers: MedGen C0950123, MeSH D030342.
Cone-rod dystrophy 6 (CORD6). Also called: Cone dystrophy progressive; RETINAL CONE DYSTROPHY 2. Identifiers: Orphanet 1872, MedGen C1866293, MONDO:0011143, OMIM 601777.
Leber congenital amaurosis 1 (LCA1). Also called: Congenital absence of the rods and cones; Leber's congenital tapetoretinal degeneration; Leber's congenital tapetoretinal dysplasia; AMAUROSIS CONGENITA OF LEBER I; RETINAL BLINDNESS, CONGENITAL. Identifiers: Orphanet 65, MedGen C2931258, MONDO:0008764, OMIM 204000.

Allele frequency attached by ClinVar (database versions not stated): TOPMed below 0.00001; gnomAD 0.00001; ExAC 0.00004; gnomAD exomes 0.00006.

Submissions (2):

Ambry Genetics
Classification: Likely benign for Inborn genetic diseases. Last evaluated: 2025-07-02. Review status: criteria provided, single submitter. Criteria: Ambry Variant Classification Scheme 2023. Collection method: clinical testing. Allele origin: germline.

Labcorp Genetics (formerly Invitae), Labcorp
Classification: Uncertain significance for Leber congenital amaurosis 1; Cone-rod dystrophy 6. Last evaluated: 2024-01-29. Review status: criteria provided, single submitter. Criteria: Invitae Variant Classification Sherloc (09022015). Collection method: clinical testing. Allele origin: germline.
Comment: This sequence change replaces glycine, which is neutral and non-polar, with alanine, which is neutral and non-polar, at codon 532 of the GUCY2D protein (p.Gly532Ala). This variant is present in population databases (rs553602736, gnomAD 0.009%). This variant has not been reported in the literature in individuals affected with GUCY2D-related conditions. Advanced modeling of protein sequence and biophysical properties (such as structural, functional, and spatial information, amino acid conservation, physicochemical variation, residue mobility, and thermodynamic stability) performed at Invitae indicates that this missense variant is not expected to disrupt GUCY2D protein function with a negative predictive value of 80%. In summary, the available evidence is currently insufficient to determine the role of this variant in disease. Therefore, it has been classified as a Variant of Uncertain Significance.